The following is an entry in ClinVar:

NM_032603.5(LOXL3):c.755A>G (p.Glu252Gly)

Gene: LOXL3 (lysyl oxidase like 3; minus strand). Cytogenetic location: 2p13.1.
Variant type: single nucleotide variant.
Coding change: c.755A>G on transcript NM_032603.5 (MANE Select); coding-DNA position 755, A replaced by G.
Protein change: p.Glu252Gly; replaces glutamic acid 252 with glycine.
Molecular consequence: missense variant. On other transcripts: intron variant (2).
Genome position (GRCh38, 1-based): chr2:74,536,866, T>C on the plus strand (A>G on the coding strand, the complement: LOXL3 is on the minus strand). VCF-style: chr2-74536866-T-C. GRCh37 (hg19) VCF-style: chr2-74763993-T-C.
Other names: c.478-395A>G (NM_001289164.3); c.-171-395A>G (NM_001289165.2); short protein forms E252G.
Identifiers: ClinVar variation 2772992 (VCV002772992.3), dbSNP rs2529952567, ClinGen allele CA347391354.

ClinVar aggregate classification (germline): Uncertain significance (1 of 4 stars; one submission).

Submission:

Labcorp Genetics (formerly Invitae), Labcorp
Classification: Uncertain significance. Last evaluated: 2024-01-21. Review status: criteria provided, single submitter. Criteria: Invitae Variant Classification Sherloc (09022015). Collection method: clinical testing. Allele origin: germline.
Comment: This sequence change replaces glutamic acid, which is acidic and polar, with glycine, which is neutral and non-polar, at codon 252 of the LOXL3 protein (p.Glu252Gly). This variant is not present in population databases (gnomAD no frequency). This variant has not been reported in the literature in individuals affected with LOXL3-related conditions. An algorithm developed to predict the effect of missense changes on protein structure and function (PolyPhen-2) suggests that this variant is likely to be disruptive. In summary, the available evidence is currently insufficient to determine the role of this variant in disease. Therefore, it has been classified as a Variant of Uncertain Significance.